The following is an entry in ClinVar:

ClinVar aggregate classification (germline): Uncertain significance (1 of 4 stars; one submission).

Submission:

Labcorp Genetics (formerly Invitae), Labcorp
Classification: Uncertain significance. Last evaluated: 2022-04-06. Review status: criteria provided, single submitter. Criteria: Invitae Variant Classification Sherloc (09022015). Collection method: clinical testing. Allele origin: germline.
Comment: This sequence change replaces proline, which is neutral and non-polar, with glutamine, which is neutral and polar, at codon 414 of the TYMP protein (p.Pro414Gln). This variant is present in population databases (no rsID available, gnomAD 0.01%). This variant has not been reported in the literature in individuals affected with TYMP-related conditions. Advanced modeling of protein sequence and biophysical properties (such as structural, functional, and spatial information, amino acid conservation, physicochemical variation, residue mobility, and thermodynamic stability) performed at Invitae indicates that this missense variant is not expected to disrupt TYMP protein function. In summary, the available evidence is currently insufficient to determine the role of this variant in disease. Therefore, it has been classified as a Variant of Uncertain Significance.

NM_001953.5(TYMP):c.1241C>A (p.Pro414Gln)

Genes: SCO2 (synthesis of cytochrome C oxidase 2; minus strand), TYMP (thymidine phosphorylase; minus strand), LOC130067862 (ATAC-STARR-seq lymphoblastoid silent region 13986; plus strand). Cytogenetic location: 22q13.33.
Variant type: single nucleotide variant.
Coding change: c.1241C>A on transcript NM_001953.5 (MANE Select); coding-DNA position 1241, C replaced by A.
Protein change: p.Pro414Gln; replaces proline 414 with glutamine.
Molecular consequence: missense variant. On other transcripts: 5 prime UTR variant (1), intron variant (1).
Genome position (GRCh38, 1-based): chr22:50,526,060, G>T on the plus strand (C>A on the coding strand, the complement: TYMP is on the minus strand). VCF-style: chr22-50526060-G-T. GRCh37 (hg19) VCF-style: chr22-50964489-G-T.
Other names: c.1241C>A, p.Pro414Gln (NM_001113755.3, NM_001113756.3, NM_001257988.1); c.1256C>A, p.Pro419Gln (NM_001257989.1); c.-73C>A (NM_001169110.1); c.-14+186C>A (NM_001169109.2); short protein forms P414Q, P419Q.
Identifiers: ClinVar variation 2139696 (VCV002139696.1), dbSNP rs1350988490, ClinGen allele CA412196875.
Genomic context (GRCh38, chr22:50,526,060, plus strand): 5'-CCACGGCGCAGCCTCTGACCCACGTCGACCAGCAGCTCTGCGCCCACCCCCAGGCGGAGC[G>T]GCTCCCCAGCGCGGCTGCGCCCGGCCCCGAGCTCGTGCAGCACCAGCGCCAGCGGCAGCG-3'
Protein context (NP_001944.1, residues 404-424): LGAGRSRAGE[Pro414Gln]LRLGVGAELL